The following is an entry in ClinVar:

ClinVar aggregate classification (germline): Likely benign. Review status: criteria provided, multiple submitters, no conflicts (2 of 4 stars). 2 submissions from 2 submitters: Likely benign (2). Last evaluated 2018-06-14.

Allele frequency attached by ClinVar (database versions not stated): 1000 Genomes Project 30x 0.00390; 1000 Genomes Project 0.00439; TOPMed 0.00625; gnomAD 0.00656 and 0.00672; gnomAD exomes 0.00755; ESP Exome Variant Server 0.00764; ExAC 0.00823.
gnomAD v4.1: 12,111 of 1,481,622 alleles (0.82%); highest among the groups gnomAD compares: Non-Finnish European, 0.91%; 64 homozygotes.

Submissions (2):

GeneDx
Classification: Likely benign. Last evaluated: 2018-06-14. Review status: criteria provided, single submitter. Criteria: GeneDx Variant Classification (06012015). Collection method: clinical testing. Allele origin: germline. Affected: yes.
Comment: This variant is considered likely benign or benign based on one or more of the following criteria: it is a conservative change, it occurs at a poorly conserved position in the protein, it is predicted to be benign by multiple in silico algorithms, and/or has population frequency not consistent with disease.

Breakthrough Genomics
Classification: Likely benign. Review status: criteria provided, single submitter. Criteria: ACMG Guidelines, 2015. Collection method: not provided. Allele origin: germline. Inheritance: Autosomal dominant inheritance. Affected: yes.

NM_001271.4(CHD2):c.4593-34A>G

Gene: CHD2 (chromodomain helicase DNA binding protein 2; plus strand). Cytogenetic location: 15q26.1.
Variant type: single nucleotide variant.
Coding change: c.4593-34A>G on transcript NM_001271.4 (MANE Select); 34 bases into the intron before coding-DNA position 4593, A replaced by G.
Molecular consequence: intron variant.
Genome position (GRCh38, 1-based): chr15:93,012,311, A>G. VCF-style: chr15-93012311-A-G. GRCh37 (hg19) VCF-style: chr15-93555541-A-G.
Identifiers: ClinVar variation 677587 (VCV000677587.2), dbSNP rs117430127, ClinGen allele CA7748518.